The following is an entry in ClinVar:

ClinVar aggregate classification (germline): Pathogenic (1 of 4 stars; one submission).

Conditions:
BBS2-related ciliopathy. Identifiers: MedGen CN378634, MONDO:1040048.

Submission:

Myriad Genetics, Inc.
Classification: Pathogenic for BBS2-related ciliopathy. Last evaluated: 2026-04-11. Review status: criteria provided, single submitter. Criteria: Myriad Autosomal Dominant, Autosomal Recessive and X-Linked Classification Criteria (2023). Collection method: clinical testing. Allele origin: unknown.
Comment: NM_031885.3(BBS2):c.123dupT(I42Yfs*3) is expected to be pathogenic in the context of Bardet-Biedl syndrome, BBS2-related. This variant is predicted to lead to an abnormal or absent protein product due to the creation of a premature termination codon in BBS2, a gene where loss-of-function variants are known to be pathogenic. Please note: this variant was assessed in the context of healthy population screening.

NM_031885.5(BBS2):c.123dup (p.Ile42fs)

Gene: BBS2 (Bardet-Biedl syndrome 2; minus strand). Cytogenetic location: 16q13.
Variant type: Duplication.
Coding change: c.123dup on transcript NM_031885.5 (MANE Select); coding-DNA position 123, one base duplicated (T; older notation c.123dupT).
Protein change: p.Ile42fs; shifts the reading frame from isoleucine 42.
Molecular consequence: frameshift variant. On other transcripts: non-coding transcript variant (5).
Genome position (GRCh38, 1-based): chr16:56,514,675, A duplicated on the plus strand (T on the coding strand, the reverse complement: BBS2 is on the minus strand); the first of 5 consecutive A bases (chr16:56,514,675-56,514,679); duplicating any one gives the same sequence. VCF-style (leftmost placement, unchanged base first): chr16-56514674-T-TA. GRCh37 (hg19) VCF-style: chr16-56548586-T-TA.
Other names: c.123dup, p.Ile42fs (NM_001377456.1); short protein forms I42fs.
Identifiers: ClinVar variation 5015792 (VCV005015792.1).